The following is an entry in ClinVar:

ClinVar aggregate classification (germline): Uncertain significance (1 of 4 stars; one submission).

Submission:

GeneDx
Classification: Uncertain significance. Last evaluated: 2023-06-29. Review status: criteria provided, single submitter. Criteria: GeneDx Variant Classification Process June 2021. Collection method: clinical testing. Allele origin: germline. Affected: yes.
Comment: Not observed at significant frequency in large population cohorts (gnomAD); Frameshift variant predicted to result in protein truncation or nonsense mediated decay in a gene for which loss-of-function is not an established mechanism of disease; Has not been previously published as pathogenic or benign to our knowledge; Variants in candidate genes are classified as variants of uncertain significance in accordance with ACMG guidelines (Richards et al., 2015)

NM_012141.3(INTS6):c.128del (p.Pro43fs)

Genes: INTS6 (integrator complex subunit 6; minus strand), LOC130009818 (ATAC-STARR-seq lymphoblastoid silent region 5369; plus strand). Cytogenetic location: 13q14.3.
Variant type: Deletion.
Coding change: c.128del on transcript NM_012141.3 (MANE Select); coding-DNA position 128, one base deleted (C; older notation c.128delC).
Protein change: p.Pro43fs; shifts the reading frame from proline 43.
Molecular consequence: frameshift variant. On other transcripts: 5 prime UTR variant (1).
Genome position (GRCh38, 1-based): chr13:51,452,039, G deleted on the plus strand (C on the coding strand, the reverse complement: INTS6 is on the minus strand); the first of 3 consecutive G bases (chr13:51,452,039-51,452,041); deleting any one gives the same sequence. VCF-style (leftmost placement, unchanged base first): chr13-51452038-AG-A. GRCh37 (hg19) VCF-style: chr13-52026174-AG-A.
Other names: c.89del, p.Pro30fs (NM_001039937.2); c.128del, p.Pro43fs (NM_001039938.2); c.-691del (NM_001306091.2); short protein forms P30fs, P43fs.
Identifiers: ClinVar variation 4529716 (VCV004529716.1).